The following is an entry in ClinVar:

ClinVar aggregate classification (germline): Uncertain significance (1 of 4 stars; one submission).

Allele frequency attached by ClinVar (database versions not stated): gnomAD exomes below 0.00001.
gnomAD v4.1: 2 of 1,614,206 alleles (0.00012%); highest among the groups gnomAD compares: Non-Finnish European, 0.00017%; no homozygotes.

Submission:

Labcorp Genetics (formerly Invitae), Labcorp
Classification: Uncertain significance. Last evaluated: 2024-09-23. Review status: criteria provided, single submitter. Criteria: Invitae Variant Classification Sherloc (09022015). Collection method: clinical testing. Allele origin: germline.
Comment: This sequence change replaces proline, which is neutral and non-polar, with serine, which is neutral and polar, at codon 1307 of the KMT2A protein (p.Pro1307Ser). This variant is present in population databases (no rsID available, gnomAD 0.002%). This variant has not been reported in the literature in individuals affected with KMT2A-related conditions. Invitae Evidence Modeling of protein sequence and biophysical properties (such as structural, functional, and spatial information, amino acid conservation, physicochemical variation, residue mobility, and thermodynamic stability) indicates that this missense variant is not expected to disrupt KMT2A protein function with a negative predictive value of 95%. In summary, the available evidence is currently insufficient to determine the role of this variant in disease. Therefore, it has been classified as a Variant of Uncertain Significance.

NM_001197104.2(KMT2A):c.3919C>T (p.Pro1307Ser)

Gene: KMT2A (lysine methyltransferase 2A; plus strand). Cytogenetic location: 11q23.3.
Variant type: single nucleotide variant.
Coding change: c.3919C>T on transcript NM_001197104.2 (MANE Select); coding-DNA position 3919, C replaced by T.
Protein change: p.Pro1307Ser; replaces proline 1307 with serine.
Molecular consequence: missense variant.
Genome position (GRCh38, 1-based): chr11:118,481,999, C>T. VCF-style: chr11-118481999-C-T. GRCh37 (hg19) VCF-style: chr11-118352714-C-T.
Other names: c.4018C>T, p.Pro1340Ser (NM_001412597.1); c.3919C>T, p.Pro1307Ser (NM_005933.4); short protein forms P1340S, P1307S.
Identifiers: ClinVar variation 2785967 (VCV002785967.3), dbSNP rs1555039431, ClinGen allele CA382828333.